The following is an entry in ClinVar:

NM_022065.5(THADA):c.179C>G (p.Pro60Arg)

Gene: THADA (THADA armadillo repeat containing; minus strand). Cytogenetic location: 2p21.
Variant type: single nucleotide variant.
Coding change: c.179C>G on transcript NM_022065.5 (MANE Select); coding-DNA position 179, C replaced by G.
Protein change: p.Pro60Arg; replaces proline 60 with arginine.
Molecular consequence: missense variant. On other transcripts: non-coding transcript variant (2).
Genome position (GRCh38, 1-based): chr2:43,590,947, G>C on the plus strand (C>G on the coding strand, the complement: THADA is on the minus strand). VCF-style: chr2-43590947-G-C. GRCh37 (hg19) VCF-style: chr2-43818086-G-C.
Other names: c.179C>G, p.Pro60Arg (NM_001083953.2, NM_001271643.2, NM_001271644.2 and 3 more transcripts); c.-684C>G (NM_198554.1); short protein forms P60R.
Identifiers: ClinVar variation 3034898 (VCV003034898.2), dbSNP rs374109478, ClinGen allele CA1633726.

ClinVar aggregate classification (germline): Likely benign (0 of 4 stars; one submission).

Conditions:
THADA-related disorder. Also called: THADA-related condition.

Allele frequency attached by ClinVar (database versions not stated): ExAC 0.00014; gnomAD 0.00014; TOPMed 0.00014; ESP Exome Variant Server 0.00017.
gnomAD v4.1: 151 of 1,611,892 alleles (0.0094%); highest among the groups gnomAD compares: Middle Eastern, 0.017%; no homozygotes.

Submission:

PreventionGenetics, part of Exact Sciences
Classification: Likely benign for THADA-related condition. Last evaluated: 2019-08-09. Review status: no assertion criteria provided. Collection method: clinical testing. Allele origin: germline.
Comment: This variant is classified as likely benign based on ACMG/AMP sequence variant interpretation guidelines (Richards et al. 2015 PMID: 25741868, with internal and published modifications).